The following is an entry in ClinVar:

NM_000089.4(COL1A2):c.2026G>A (p.Gly676Ser)

Gene: COL1A2 (collagen type I alpha 2 chain; plus strand). Cytogenetic location: 7q21.3.
Variant type: single nucleotide variant.
Coding change: c.2026G>A on transcript NM_000089.4 (MANE Select); coding-DNA position 2026, G replaced by A.
Protein change: p.Gly676Ser; replaces glycine 676 with serine.
Molecular consequence: missense variant.
Genome position (GRCh38, 1-based): chr7:94,419,498, G>A. VCF-style: chr7-94419498-G-A. GRCh37 (hg19) VCF-style: chr7-94048810-G-A.
Other names: short protein forms G676S.
Identifiers: ClinVar variation 2636256 (VCV002636256.2), dbSNP rs72658158, ClinGen allele CA368223101.
Genomic context (GRCh38, chr7:94,419,498, plus strand): 5'-AGGTTCACTTTTGATGATACGGGGTGTTATTAATAAGACATGTTTCCTTTTTGGTACTAG[G>A]GTGCTCCTGGTGCTGTAGGTGCCCCTGGTCCTGCTGGAGCCACAGGTGACCGGGTAAGCA-3'
Protein context (NP_000080.2, residues 666-686): IGNPGRDGAR[Gly676Ser]APGAVGAPGP

ClinVar aggregate classification (germline): Likely pathogenic. Review status: criteria provided, multiple submitters, no conflicts (2 of 4 stars). 2 submissions from 2 submitters: Likely pathogenic (2). Last evaluated 2024-03-01.

Conditions:
COL1A2-related disorder. Also called: COL1A2-related condition; COL1A2-Related Disorders.

Allele frequency attached by ClinVar (database versions not stated): gnomAD exomes below 0.00001; TOPMed 0.00001.
gnomAD v4.1: 2 of 1,613,978 alleles (0.00012%); highest among the groups gnomAD compares: Non-Finnish European, 0.00017%; no homozygotes.

Submissions (2):

Blueprint Genetics
Classification: Likely pathogenic for COL1A2-related disorders. Last evaluated: 2024-03-01. Review status: criteria provided, single submitter. Criteria: ACMG Guidelines, 2015. Collection method: clinical testing. Allele origin: germline. Affected: yes. Observed: 3 variant alleles.

PreventionGenetics, part of Exact Sciences
Classification: Likely pathogenic for COL1A2-related condition. Last evaluated: 2022-08-23. Review status: criteria provided, single submitter. Criteria: ACMG Guidelines, 2015. Collection method: clinical testing. Allele origin: germline.
Comment: The COL1A2 c.2026G>A variant is predicted to result in the amino acid substitution p.Gly676Ser. To our knowledge, this variant has not been reported in the literature or in a large population database, indicating this variant is rare. This variant results in substitution of a glycine residue within the triple helical domain of the COL1A2 protein. Other substitutions at the glycine 676 residue (glycine 586 using legacy nomenclature) have been reported in patients with osteogenesis imperfecta (for example see Bateman et al. 1991. PubMed ID: 2064612; Ward et al. 2001. PubMed ID: 11317364; Lee et al. 2006. PubMed ID: 16705691). Taken together, this variant is interpreted as likely pathogenic.